The following is an entry in ClinVar:

NM_004006.3(DMD):c.2187_2188del (p.Glu730fs)

Gene: DMD (dystrophin; minus strand). Cytogenetic location: Xp21.1.
Variant type: Deletion.
Coding change: c.2187_2188del on transcript NM_004006.3 (MANE Select); coding-DNA positions 2187 to 2188, 2 bases deleted (TG; older notation c.2187_2188delTG).
Protein change: p.Glu730fs; shifts the reading frame from glutamic acid 730.
Molecular consequence: frameshift variant.
Genome position (GRCh38, 1-based): chrX:32,518,112-32,518,113, CA deleted on the plus strand (TG on the coding strand, the reverse complement: DMD is on the minus strand). VCF-style (leftmost placement, unchanged base first): chrX-32518111-TCA-T. GRCh37 (hg19) VCF-style: chrX-32536228-TCA-T.
Other names: c.2163_2164del, p.Glu722fs (NM_000109.4); c.2175_2176del, p.Glu726fs (NM_004009.3); c.1818_1819del, p.Glu607fs (NM_004010.3); short protein forms E726fs, E607fs, E722fs, E730fs.
Identifiers: ClinVar variation 2737173 (VCV002737173.3), dbSNP rs2525548207, ClinGen allele CA2695232875.
Genomic context (GRCh38, chrX:32,518,111, plus strand): 5'-AAGATTGCAAATTCAGGACTCTGCAACACAGCTTCTGAGCGAGTAATCCAGCTGTGAAGT[TCA>T]GTTATATCAACATCCAACCTAAGACAGCAAAAAATAAAAGTCATTATTTCTTGATTATCT-3'

ClinVar aggregate classification (germline): Pathogenic (1 of 4 stars; one submission).

Conditions:
Duchenne muscular dystrophy (DMD). Also called: MUSCULAR DYSTROPHY, PSEUDOHYPERTROPHIC PROGRESSIVE, DUCHENNE TYPE; Duchenne Muscular Dystrophy (DMD). Identifiers: Orphanet 98896, MedGen C0013264, MONDO:0010679, OMIM 310200.

Submission:

Labcorp Genetics (formerly Invitae), Labcorp
Classification: Pathogenic for Duchenne muscular dystrophy. Last evaluated: 2023-05-16. Review status: criteria provided, single submitter. Criteria: Invitae Variant Classification Sherloc (09022015). Collection method: clinical testing. Allele origin: germline.
Comment: For these reasons, this variant has been classified as Pathogenic. This premature translational stop signal has been observed in individual(s) with Duchenne muscular dystrophy (PMID: 17259292). This variant is not present in population databases (gnomAD no frequency). This sequence change creates a premature translational stop signal (p.Glu730Thrfs*16) in the DMD gene. It is expected to result in an absent or disrupted protein product. Loss-of-function variants in DMD are known to be pathogenic (PMID: 16770791, 25007885).

Literature cited by the submitters: PubMed 17259292; PubMed 16770791; PubMed 25007885.